The following is an entry in ClinVar:

ClinVar aggregate classification (germline): Likely benign. Review status: criteria provided, multiple submitters, no conflicts (2 of 4 stars). 2 submissions from 2 submitters: Likely benign (2). Last evaluated 2023-08-15.

Conditions:
Hypertrophic cardiomyopathy. Also called: HYPERTROPHIC MYOCARDIOPATHY. Identifiers: Orphanet 217569, MedGen C0007194, MeSH D002312, MONDO:0005045, HP:0001639.

Allele frequency attached by ClinVar (database versions not stated): gnomAD 0.00001; ExAC 0.00004.
gnomAD v4.1: 9 of 1,610,868 alleles (0.00056%); highest among the groups gnomAD compares: Non-Finnish European, 0.00076%; no homozygotes.

Submissions (2):

All of Us Research Program, National Institutes of Health
Classification: Likely benign for Hypertrophic cardiomyopathy. Last evaluated: 2023-08-15. Review status: criteria provided, single submitter. Criteria: ACMG Guidelines, 2015. Collection method: clinical testing. Allele origin: germline. Inheritance: Autosomal dominant inheritance. Observed: 1 variant allele, 1 heterozygote.
Comment: This study involves interpretation of variants in research participants for the purpose of population health screening. Participant phenotype was not available at the time of variant classification. Additional details can be found in publication PMID: 35346344, PMCID: PMC8962531

Labcorp Genetics (formerly Invitae), Labcorp
Classification: Likely benign for Hypertrophic cardiomyopathy. Last evaluated: 2022-07-19. Review status: criteria provided, single submitter. Criteria: Invitae Variant Classification Sherloc (09022015). Collection method: clinical testing. Allele origin: germline.

NM_000256.3(MYBPC3):c.3057G>C (p.Val1019=)

Gene: MYBPC3 (myosin binding protein C3; minus strand). Cytogenetic location: 11p11.2.
Variant type: single nucleotide variant.
Coding change: c.3057G>C on transcript NM_000256.3 (MANE Select); coding-DNA position 3057, G replaced by C.
Protein change: p.Val1019=; no amino-acid change (valine 1019 retained).
Molecular consequence: synonymous variant.
Genome position (GRCh38, 1-based): chr11:47,333,690, C>G on the plus strand (G>C on the coding strand, the complement: MYBPC3 is on the minus strand). VCF-style: chr11-47333690-C-G. GRCh37 (hg19) VCF-style: chr11-47355241-C-G.
Identifiers: ClinVar variation 1619329 (VCV001619329.9), dbSNP rs750618688, ClinGen allele CA079103.